The following is an entry in ClinVar:

NM_033409.4(SLC52A3):c.925T>C (p.Phe309Leu)

Gene: SLC52A3 (solute carrier family 52 member 3; minus strand). Cytogenetic location: 20p13.
Variant type: single nucleotide variant.
Coding change: c.925T>C on transcript NM_033409.4 (MANE Select); coding-DNA position 925, T replaced by C.
Protein change: p.Phe309Leu; replaces phenylalanine 309 with leucine.
Molecular consequence: missense variant.
Genome position (GRCh38, 1-based): chr20:763,646, A>G on the plus strand (T>C on the coding strand, the complement: SLC52A3 is on the minus strand). VCF-style: chr20-763646-A-G. GRCh37 (hg19) VCF-style: chr20-744290-A-G.
Other names: c.925T>C, p.Phe309Leu (NM_001370085.1, NM_001370086.1); short protein forms F309L.
Identifiers: ClinVar variation 4776842 (VCV004776842.1).

ClinVar aggregate classification (germline): Uncertain significance (1 of 4 stars; one submission).

Conditions:
Brown-Vialetto-van Laere syndrome 1. Also called: BULBAR PALSY, PROGRESSIVE, WITH SENSORINEURAL DEAFNESS; PONTOBULBAR PALSY WITH DEAFNESS; BROWN-VIALETTO-VAN LAERE SYNDROME 1, MILD. Identifiers: Orphanet 572550, Orphanet 97229, MedGen C0796274, MONDO:0024537, OMIM 211530.

Submission:

Labcorp Genetics (formerly Invitae), Labcorp
Classification: Uncertain significance for Brown-Vialetto-van Laere syndrome 1. Last evaluated: 2025-02-27. Review status: criteria provided, single submitter. Criteria: Invitae Variant Classification Sherloc (09022015). Collection method: clinical testing. Allele origin: germline.
Comment: This sequence change replaces phenylalanine, which is neutral and non-polar, with leucine, which is neutral and non-polar, at codon 309 of the SLC52A3 protein (p.Phe309Leu). This variant is not present in population databases (gnomAD no frequency). This variant has not been reported in the literature in individuals affected with SLC52A3-related conditions. Invitae Evidence Modeling of protein sequence and biophysical properties (such as structural, functional, and spatial information, amino acid conservation, physicochemical variation, residue mobility, and thermodynamic stability) indicates that this missense variant is not expected to disrupt SLC52A3 protein function with a negative predictive value of 95%. In summary, the available evidence is currently insufficient to determine the role of this variant in disease. Therefore, it has been classified as a Variant of Uncertain Significance.